The following is an entry in ClinVar:

NM_001031689.3(PLAA):c.574G>C (p.Asp192His)

Gene: PLAA (phospholipase A2 activating protein; minus strand). Cytogenetic location: 9p21.2.
Variant type: single nucleotide variant.
Coding change: c.574G>C on transcript NM_001031689.3 (MANE Select); coding-DNA position 574, G replaced by C.
Protein change: p.Asp192His; replaces aspartic acid 192 with histidine.
Molecular consequence: missense variant.
Genome position (GRCh38, 1-based): chr9:26,926,552, C>G on the plus strand (G>C on the coding strand, the complement: PLAA is on the minus strand). VCF-style: chr9-26926552-C-G. GRCh37 (hg19) VCF-style: chr9-26926550-C-G.
Other names: c.574G>C, p.Asp192His (NM_001321546.2); short protein forms D192H.
Identifiers: ClinVar variation 1487435 (VCV001487435.8), dbSNP rs2131394015, ClinGen allele CA373133786.

ClinVar aggregate classification (germline): Uncertain significance (1 of 4 stars; one submission).

Submission:

Labcorp Genetics (formerly Invitae), Labcorp
Classification: Uncertain significance. Last evaluated: 2021-04-29. Review status: criteria provided, single submitter. Criteria: Invitae Variant Classification Sherloc (09022015). Collection method: clinical testing. Allele origin: germline.
Comment: This sequence change replaces aspartic acid with histidine at codon 192 of the PLAA protein (p.Asp192His). The aspartic acid residue is highly conserved and there is a moderate physicochemical difference between aspartic acid and histidine. In summary, the available evidence is currently insufficient to determine the role of this variant in disease. Therefore, it has been classified as a Variant of Uncertain Significance. Algorithms developed to predict the effect of missense changes on protein structure and function (SIFT, PolyPhen-2, Align-GVGD) all suggest that this variant is likely to be disruptive, but these predictions have not been confirmed by published functional studies and their clinical significance is uncertain. This variant has not been reported in the literature in individuals with PLAA-related conditions. This variant is not present in population databases (ExAC no frequency).